The following is an entry in ClinVar:

ClinVar aggregate classification (germline): Pathogenic/Likely pathogenic. Review status: criteria provided, multiple submitters, no conflicts (2 of 4 stars). 5 submissions from 5 submitters: Pathogenic (4); Likely pathogenic (1). Last evaluated 2025-09-15.

Conditions:
Fabry disease. Also called: Fabry's disease; Angiokeratoma corporis diffusum; ALPHA-GALACTOSIDASE A DEFICIENCY; ANDERSON-FABRY DISEASE; CERAMIDE TRIHEXOSIDASE DEFICIENCY; GLA DEFICIENCY. Identifiers: Orphanet 324, MedGen C0002986, MONDO:0010526, OMIM 301500, HP:0001071. Disease mechanism: loss of function, Fabry disease is due to inactivating mutations in the X-linked GLA gene resulting in deficiency of the enzyme Alpha Galactosidase-A..

Submissions (5):

Genomenon, Inc
Classification: Pathogenic for Fabry disease. Last evaluated: 2025-09-15. Review status: criteria provided, single submitter. Criteria: Genomenon Sequence Variant Interpretation Standards. Collection method: curation. Allele origin: germline. Affected: yes.
Comment: GLA p.Asp25AlafsTer101 (c.59_72dup) is a frameshift variant that results in the production of a truncated protein that may be subject to nonsense-mediated mRNA decay. This variant has been observed in at least one proband affected with Fabry disease (PMID:22551898). It is absent or not present at a significant frequency in gnomAD. In conclusion, we classify GLA p.Asp25AlafsTer101 (c.59_72dup) as a pathogenic variant.

Labcorp Genetics (formerly Invitae), Labcorp
Classification: Pathogenic for Fabry disease. Last evaluated: 2021-08-23. Review status: criteria provided, single submitter. Criteria: Invitae Variant Classification Sherloc (09022015). Collection method: clinical testing. Allele origin: germline.
Comment: This variant has not been reported in the literature in individuals affected with GLA-related conditions. ClinVar contains an entry for this variant (Variation ID: 495695). For these reasons, this variant has been classified as Pathogenic. This variant is not present in population databases (ExAC no frequency). This sequence change creates a premature translational stop signal (p.Asp25Profs*101) in the GLA gene. It is expected to result in an absent or disrupted protein product. Loss-of-function variants in GLA are known to be pathogenic (PMID: 10666480, 12175777).

Genome-Nilou Lab
Classification: Pathogenic for Fabry disease. Last evaluated: 2021-07-15. Review status: criteria provided, single submitter. Criteria: ACMG Guidelines, 2015. Collection method: clinical testing. Allele origin: germline. Affected: no.

Eurofins Ntd Llc (ga)
Classification: Pathogenic. Last evaluated: 2017-06-06. Review status: criteria provided, single submitter. Criteria: EGL Classification Definitions 2015. Collection method: clinical testing. Allele origin: germline. Observed: 2 variant alleles, 1 heterozygote, 1 hemizygote.

Women's Health and Genetics/Laboratory Corporation of America, LabCorp
Classification: Likely pathogenic for Fabry disease. Last evaluated: 2016-12-20. Review status: criteria provided, single submitter. Criteria: LabCorp Variant Classification Summary - May 2015. Collection method: clinical testing. Allele origin: germline.
Comment: Variant summary: The GLA c.59_72dupCCCTCGTTTCCTGG (p.Asp25Profs) variant results in a premature termination codon, predicted to cause a truncated or absent GLA protein due to nonsense mediated decay, which are commonly known mechanisms for disease. Truncations downstream of this position have been classified as pathogenic by our laboratory (e.g. c.59_84del26, p.Ala20Glyfs). One in silico tool predicts a damaging outcome for this variant. This variant is absent in 87697 control chromosomes. The variant of interest has not, to our knowledge, been reported in affected individuals via publications and/or reputable databases/clinical diagnostic laboratories; nor evaluated for functional impact by in vivo/vitro studies. Taken together, this variant is classified as likely pathogenic.

Literature cited by the submitters: PubMed 22551898 (cited by Genomenon, Inc); PubMed 10666480 (cited by Labcorp Genetics (formerly Invitae), Labcorp); PubMed 12175777 (cited by Labcorp Genetics (formerly Invitae), Labcorp).

NM_000169.3(GLA):c.59_72dup (p.Asp25fs)

Genes: GLA (galactosidase alpha; minus strand), RPL36A-HNRNPH2 (RPL36A-HNRNPH2 readthrough; plus strand). Cytogenetic location: Xq22.1.
Variant type: Duplication.
Coding change: c.59_72dup on transcript NM_000169.3 (MANE Select); coding-DNA positions 59 to 72, 14 bases duplicated (CCCTCGTTTCCTGG).
Protein change: p.Asp25fs; shifts the reading frame from aspartic acid 25.
Molecular consequence: frameshift variant. On other transcripts: non-coding transcript variant (3), intron variant (2).
Genome position (GRCh38, 1-based): chrX:101,407,832-101,407,845, CCAGGAAACGAGGG duplicated on the plus strand (CCCTCGTTTCCTGG on the coding strand, the reverse complement: GLA is on the minus strand); duplicating any 14 consecutive bases within chrX:101,407,832-101,407,852 gives the same sequence; the c. name uses the placement nearest the transcript's 3' end. VCF-style (leftmost placement, unchanged base first): chrX-101407831-C-CCCAGGAAACGAGGG. GRCh37 (hg19) VCF-style: chrX-100662819-C-CCCAGGAAACGAGGG.
Other names: c.59_72dupCCCTCGTTTCCTGG (NM_000169.2); c.59_72dup, p.Asp25fs (NM_001406747.1, NM_001406748.1, NM_001406749.1); c.301-4097_301-4084dup (NM_001199973.2); c.178-4097_178-4084dup (NM_001199974.2); short protein forms D25fs.
Identifiers: ClinVar variation 495695 (VCV000495695.14), dbSNP rs1555987175, ClinGen allele CA658684326.